The following is an entry in ClinVar:

NM_130466.4(UBE3B):c.61G>T (p.Glu21Ter)

Gene: UBE3B (ubiquitin protein ligase E3B; plus strand). Cytogenetic location: 12q24.11.
Variant type: single nucleotide variant.
Coding change: c.61G>T on transcript NM_130466.4 (MANE Select); coding-DNA position 61, G replaced by T.
Protein change: p.Glu21Ter; replaces glutamic acid 21 with a stop codon.
Molecular consequence: nonsense.
Genome position (GRCh38, 1-based): chr12:109,483,612, G>T. VCF-style: chr12-109483612-G-T. GRCh37 (hg19) VCF-style: chr12-109921417-G-T.
Other names: c.61G>T, p.Glu21Ter (NM_001270449.2, NM_001270450.2, NM_001270451.2 and 1 more transcripts); c.61G>T (NM_001270449.1); short protein forms E21*.
Identifiers: ClinVar variation 225041 (VCV000225041.22), dbSNP rs775981553, ClinGen allele CA358238.
Genomic context (GRCh38, chr12:109,483,612, plus strand): 5'-ATGTTCACCCTGTCTCAGACCTCGAGAGCATGGTTCATCGATAGAGCCCGTCAGGCACGA[G>T]AAGAAAGGCTTGTGCAGAAGGAACGGGAGCGGGCAGCTGTTGTGATCCAGGCCCATGTCC-3'

ClinVar aggregate classification (germline): Pathogenic. Review status: criteria provided, multiple submitters, no conflicts (2 of 4 stars). 8 submissions from 8 submitters: Pathogenic (8). Last evaluated 2025-12-01.

Conditions:
Oculocerebrofacial syndrome, Kaufman type. Also called: Blepharophimosis-ptosis-intellectual disability syndrome. Identifiers: Orphanet 2707, MedGen C1855663, MONDO:0009485, OMIM 244450.
Inborn genetic diseases. Identifiers: MedGen C0950123, MeSH D030342.

Allele frequency attached by ClinVar (database versions not stated): ExAC 0.00001; gnomAD exomes 0.00002 and 0.00004; gnomAD 0.00003.
gnomAD v4.1: 20 of 1,612,716 alleles (0.0012%); highest among the groups gnomAD compares: Admixed American, 0.03%; no homozygotes.

Submissions (8):

Labcorp Genetics (formerly Invitae), Labcorp
Classification: Pathogenic. Last evaluated: 2025-12-01. Review status: criteria provided, single submitter. Criteria: Invitae Variant Classification Sherloc (09022015). Collection method: clinical testing. Allele origin: germline.
Comment: This sequence change creates a premature translational stop signal (p.Glu21*) in the UBE3B gene. It is expected to result in an absent or disrupted protein product. Loss-of-function variants in UBE3B are known to be pathogenic (PMID: 23687348, 24615390). This variant is present in population databases (rs775981553, gnomAD 0.03%). This premature translational stop signal has been observed in individual(s) with Kaufman oculocerebrofacial syndrome (PMID: 24615390, 30792901). ClinVar contains an entry for this variant (Variation ID: 225041). For these reasons, this variant has been classified as Pathogenic.

GeneDx
Classification: Pathogenic. Last evaluated: 2025-10-22. Review status: criteria provided, single submitter. Criteria: GeneDx Variant Classification Process June 2021. Collection method: clinical testing. Allele origin: germline. Affected: yes.
Comment: Nonsense variant predicted to result in protein truncation or nonsense mediated decay in a gene for which loss of function is a known mechanism of disease; This variant is associated with the following publications: (PMID: 25356970, 31162149, 24615390, 27535533, 38177409, 30792901, 31847883)

Dasa
Classification: Pathogenic. Last evaluated: 2025-06-25. Review status: criteria provided, single submitter. Criteria: DASA Assertion Criteria. Collection method: clinical testing. Allele origin: germline.
Comment: NM_130466.4(UBE3B):c.61G>T (p.Glu21*) introduces a premature termination codon predicted to result in loss of normal protein function. Loss-of-function is an established mechanism of disease for this gene. This variant has been recurrently observed in individuals with related phenotype (PMID: 24615390; PMID: 30792901). The variant is present at low frequency in population datasets. Based on the available data, this variant is classified as pathogenic.

Variantyx, Inc.
Classification: Pathogenic for Oculocerebrofacial syndrome, Kaufman type. Last evaluated: 2025-04-18. Review status: criteria provided, single submitter. Criteria: Variantyx Assertion Criteria 2022. Collection method: clinical testing. Allele origin: germline. Inheritance: Autosomal recessive inheritance. Affected: no.
Comment: This is a nonsense variant in the UBE3B gene (OMIM: 608047). Pathogenic variants in this gene have been associated with autosomal recessive Kaufman oculocerebrofacial syndrome. This variant introduces a premature termination codon in exon 3 out of 28 and is expected to result in loss of function, which is a known disease mechanism for UBE3B in this disorder (PMID: 23687348, 24615390) (PVS1). It has been identified in the homozygous or compound heterozygous state in at least two individuals reported in the published literature (PMID: 24615390, 30792901), (PM3). The maximum allele frequency in non-founder control populations is 0.0307% (PM2). Based on the current evidence, this variant is classified as pathogenic for autosomal recessive Kaufman oculocerebrofacial syndrome.

DECIPHERD-UDD, Universidad del Desarrollo
Classification: Pathogenic for Oculocerebrofacial syndrome, Kaufman type. Last evaluated: 2023-07-01. Review status: criteria provided, single submitter. Criteria: ACMG Guidelines, 2015. Collection method: research. Allele origin: biparental. Affected: yes.

Greenwood Genetic Center Diagnostic Laboratories, Greenwood Genetic Center
Classification: Pathogenic. Last evaluated: 2021-01-22. Review status: criteria provided, single submitter. Criteria: ACMG Guidelines, 2015. Collection method: clinical testing. Allele origin: germline. Affected: yes.
Comment: PVS1, PM3, PM2, PS4_Moderate

Illumina Laboratory Services, Illumina
Classification: Pathogenic for Kaufman oculocerebrofacial syndrome. Last evaluated: 2019-12-12. Review status: criteria provided, single submitter. Criteria: ICSLVariantClassificationCriteria RUGD 01 April 2020. Collection method: clinical testing. Allele origin: unknown.
Comment: The UBE3B c.61G>T (p.Glu21Ter) variant is a stop-gained variant that is predicted to result in an absent or prematurely truncated protein product, including loss of the functionally critical HECT domain. The p.Glu21Ter variant has been reported in two studies in which it was identified in a homozygous state in two unrelated individuals, one with a diagnosis of Kaufman oculocerebrofacial syndrome and one with blepharophimosis-ptosis-intellectual disability syndrome (Basal-Vanagaite et al. 2014; Farwell et al. 2015). The p.Glu21Ter variant is reported at a frequency of 0.000286 in the Latino population of the Genome Aggregation Database. Based on the collective evidence, the p.Glu21Ter variant is classified as pathogenic for Kaufman oculocerebrofacial syndrome.

Ambry Genetics
Classification: Pathogenic for Inborn genetic diseases. Last evaluated: 2012-11-29. Review status: criteria provided, single submitter. Criteria: Ambry Autosomal Dominant and X-Linked criteria (10/2015). Collection method: clinical testing. Allele origin: germline. Observed: 1 variant allele.

Literature cited by the submitters: PubMed 23687348 (cited by Labcorp Genetics (formerly Invitae), Labcorp and Variantyx, Inc.); PubMed 24615390 (cited by 4 submitters); PubMed 30792901 (cited by 3 submitters); PubMed 38177409 (cited by DECIPHERD-UDD, Universidad del Desarrollo); PubMed 25356970 (cited by Illumina Laboratory Services, Illumina).